The following is an entry in ClinVar:

ClinVar aggregate classification (germline): Uncertain significance. Review status: criteria provided, multiple submitters, no conflicts (2 of 4 stars). 2 submissions from 2 submitters: Uncertain significance (2). Last evaluated 2019-09-24.

Conditions:
Hereditary motor and sensory neuropathy, Okinawa type (HMSNO). Also called: HEREDITARY MOTOR AND SENSORY NEUROPATHY, PROXIMAL TYPE. Identifiers: Orphanet 90117, MedGen C1858338, MONDO:0011468, OMIM 604484.
Hereditary spastic paraplegia 57. Also called: Spastic paraplegia 57, autosomal recessive. Identifiers: Orphanet 431329, MedGen C3714897, MONDO:0014295, OMIM 615658.
Inborn genetic diseases. Identifiers: MedGen C0950123, MeSH D030342.

Submissions (2):

Ambry Genetics
Classification: Uncertain significance for Inborn genetic diseases. Last evaluated: 2019-09-24. Review status: criteria provided, single submitter. Criteria: Ambry Variant Classification Scheme 2023. Collection method: clinical testing. Allele origin: germline.
Comment: The p.L97H variant (also known as c.290T>A), located in coding exon 3 of the TFG gene, results from a T to A substitution at nucleotide position 290. The leucine at codon 97 is replaced by histidine, an amino acid with similar properties. This amino acid position is highly conserved in available vertebrate species. In addition, the in silico prediction for this alteration is inconclusive. Since supporting evidence is limited at this time, the clinical significance of this alteration remains unclear.

Labcorp Genetics (formerly Invitae), Labcorp
Classification: Uncertain significance for Hereditary motor and sensory neuropathy, Okinawa type; Hereditary spastic paraplegia 57. Last evaluated: 2018-08-18. Review status: criteria provided, single submitter. Criteria: Invitae Variant Classification Sherloc (09022015). Collection method: clinical testing. Allele origin: germline.
Comment: This sequence change replaces leucine with histidine at codon 97 of the TFG protein (p.Leu97His). The leucine residue is highly conserved and there is a moderate physicochemical difference between leucine and histidine. This variant is not present in population databases (ExAC no frequency). This variant has not been reported in the literature in individuals with TFG-related disease. Algorithms developed to predict the effect of missense changes on protein structure and function are either unavailable or do not agree on the potential impact of this missense change (SIFT: "Deleterious"; PolyPhen-2: "Probably Damaging"; Align-GVGD: "Class C0"). In summary, the available evidence is currently insufficient to determine the role of this variant in disease. Therefore, it has been classified as a Variant of Uncertain Significance.

NM_006070.6(TFG):c.290T>A (p.Leu97His)

Gene: TFG (trafficking from ER to golgi regulator; plus strand). Cytogenetic location: 3q12.2.
Variant type: single nucleotide variant.
Coding change: c.290T>A on transcript NM_006070.6 (MANE Select); coding-DNA position 290, T replaced by A.
Protein change: p.Leu97His; replaces leucine 97 with histidine.
Molecular consequence: missense variant.
Genome position (GRCh38, 1-based): chr3:100,728,733, T>A. VCF-style: chr3-100728733-T-A. GRCh37 (hg19) VCF-style: chr3-100447577-T-A.
Other names: c.290T>A, p.Leu97His (NM_001007565.2, NM_001195478.2, NM_001195479.2); short protein forms L97H.
Identifiers: ClinVar variation 648724 (VCV000648724.10), dbSNP rs1576366321, ClinGen allele CA353842166.
Genomic context (GRCh38, chr3:100,728,733, plus strand): 5'-GAACTTCTAATTTTAAGCAAATAAATGTTTTTATTTCAGTTAATGGCCAGCCAAGACCCC[T>A]TGAATCAAGTCAGGTGAAATATCTCCGTCGAGAACTGATAGAACTTCGAAATAAAGTGAA-3'
Protein context (NP_006061.2, residues 87-107): TLFVNGQPRP[Leu97His]ESSQVKYLRR